The following is an entry in ClinVar:

NM_015164.4(PLEKHM2):c.2305G>A (p.Glu769Lys)

Gene: PLEKHM2 (pleckstrin homology and RUN domain containing M2; plus strand). Cytogenetic location: 1p36.21.
Variant type: single nucleotide variant.
Coding change: c.2305G>A on transcript NM_015164.4 (MANE Select); coding-DNA position 2305, G replaced by A.
Protein change: p.Glu769Lys; replaces glutamic acid 769 with lysine.
Molecular consequence: missense variant.
Genome position (GRCh38, 1-based): chr1:15,730,628, G>A. VCF-style: chr1-15730628-G-A. GRCh37 (hg19) VCF-style: chr1-16057123-G-A.
Other names: c.2245G>A, p.Glu749Lys (NM_001410755.1); short protein forms E749K, E769K.
Identifiers: ClinVar variation 4139564 (VCV004139564.2).

ClinVar aggregate classification (germline): Uncertain significance. Review status: criteria provided, multiple submitters, no conflicts (2 of 4 stars). 2 submissions from 2 submitters: Uncertain significance (2). Last evaluated 2025-07-04.

gnomAD v4.1: 23 of 1,608,528 alleles (0.0014%); highest among the groups gnomAD compares: African/African-American, 0.0027%; no homozygotes.

Submissions (2):

Ambry Genetics
Classification: Uncertain significance. Last evaluated: 2025-07-04. Review status: criteria provided, single submitter. Criteria: Ambry Variant Classification Scheme 2023. Collection method: clinical testing. Allele origin: germline.

Labcorp Genetics (formerly Invitae), Labcorp
Classification: Uncertain significance. Last evaluated: 2025-05-04. Review status: criteria provided, single submitter. Criteria: Invitae Variant Classification Sherloc (09022015). Collection method: clinical testing. Allele origin: germline.
Comment: This sequence change replaces glutamic acid, which is acidic and polar, with lysine, which is basic and polar, at codon 769 of the PLEKHM2 protein (p.Glu769Lys). This variant is present in population databases (rs373699252, gnomAD 0.004%). This variant has not been reported in the literature in individuals affected with PLEKHM2-related conditions. An algorithm developed to predict the effect of missense changes on protein structure and function (PolyPhen-2) suggests that this variant is likely to be disruptive. In summary, the available evidence is currently insufficient to determine the role of this variant in disease. Therefore, it has been classified as a Variant of Uncertain Significance.